The following is an entry in ClinVar:

NM_019066.5(MAGEL2):c.1622_1666del (p.Gln541_Pro555del)

Gene: MAGEL2 (MAGE family member L2; minus strand). Cytogenetic location: 15q11.2.
Variant type: Deletion.
Coding change: c.1622_1666del on transcript NM_019066.5 (MANE Select); coding-DNA positions 1622 to 1666, 45 bases deleted.
Protein change: p.Gln541_Pro555del.
Molecular consequence: inframe deletion.
Genome position (GRCh38, 1-based): chr15:23,646,077-23,646,121, 45 bases deleted; deleting any 45 consecutive bases within chr15:23,646,077-23,646,131 gives the same sequence; the c. name uses the placement nearest the transcript's 3' end. GRCh37 (hg19): chr15:23,891,234-23,891,278.
Identifiers: ClinVar variation 4984349 (VCV004984349.1).
Genomic context (GRCh38, chr15:23,646,076, plus strand): 5'-GCAGACAGTGGGGCAGACAGCGGGGCCGGCAGCACAGGCTGGGGCACCTGCGGGCCAGCG[GGCGGCGCCGCGGGTACCTGCGTAGCAGGTGGGGCCGTAGGCACCT>G]GCGGCGCCGCCTGCACCTGCGGGGCCGGCAGCCTAGCCTGCGGGGCCTGCCGCAGTGGAG-3'

ClinVar aggregate classification (germline): Uncertain significance (1 of 4 stars; one submission).

Conditions:
MAGEL2-related disorder. Also called: MAGEL2-related condition.

Submission:

PreventionGenetics, part of Exact Sciences
Classification: Uncertain significance for MAGEL2-related condition. Last evaluated: 2026-07-06. Review status: criteria provided, single submitter. Criteria: ACMG Guidelines, 2015. Collection method: clinical testing. Allele origin: germline.
Comment: The MAGEL2 c.1622_1666del45 variant is predicted to result in an in-frame deletion (p.Gln541_Pro555del). To our knowledge, this variant has not been reported in the literature or in a large population database, indicating this variant is rare. At this time, the clinical significance of this variant is uncertain due to the absence of conclusive functional and genetic evidence.